The following is an entry in ClinVar:

NM_024757.5(EHMT1):c.146C>G (p.Ala49Gly)

Gene: EHMT1 (euchromatic histone lysine methyltransferase 1; plus strand). Cytogenetic location: 9q34.3.
Variant type: single nucleotide variant.
Coding change: c.146C>G on transcript NM_024757.5 (MANE Select); coding-DNA position 146, C replaced by G.
Protein change: p.Ala49Gly; replaces alanine 49 with glycine.
Molecular consequence: missense variant.
Genome position (GRCh38, 1-based): chr9:137,716,686, C>G. VCF-style: chr9-137716686-C-G. GRCh37 (hg19) VCF-style: chr9-140611138-C-G.
Other names: c.146C>G, p.Ala49Gly (NM_001145527.2, NM_001354263.2, NM_001354611.2); c.53C>G, p.Ala18Gly (NM_001354259.2, NM_001354612.2); short protein forms A18G, A49G.
Identifiers: ClinVar variation 4998445 (VCV004998445.1).
Genomic context (GRCh38, chr9:137,716,686, plus strand): 5'-AGACACCTATGGCTGCCGATGAAGGCTCAGCAGAGAAACAGGCAGGAGAGGCCCACATGG[C>G]TGCGGACGGTGAGACCAATGGGTCTTGTGAAAACAGCGATGCCAGCAGTCATGCAAATGC-3'
Protein context (NP_079033.4, residues 39-59): AEKQAGEAHM[Ala49Gly]ADGETNGSCE

ClinVar aggregate classification (germline): Uncertain significance (1 of 4 stars; one submission).

Conditions:
EHMT1-related disorder. Also called: EHMT1-related condition.

Submission:

PreventionGenetics, part of Exact Sciences
Classification: Uncertain significance for EHMT1-related condition. Last evaluated: 2024-12-07. Review status: criteria provided, single submitter. Criteria: ACMG Guidelines, 2015. Collection method: clinical testing. Allele origin: germline.
Comment: The EHMT1 c.146C>G variant is predicted to result in the amino acid substitution p.Ala49Gly. To our knowledge, this variant has not been reported in the literature or in a large population database (gnomAD), indicating this variant is rare. At this time, the clinical significance of this variant is uncertain due to the absence of conclusive functional and genetic evidence.